The following is an entry in ClinVar:

ClinVar aggregate classification (germline): Uncertain significance (1 of 4 stars; one submission).

Submission:

Ambry Genetics
Classification: Uncertain significance. Last evaluated: 2025-06-21. Review status: criteria provided, single submitter. Criteria: Ambry Variant Classification Scheme 2023. Collection method: clinical testing. Allele origin: germline.
Comment: The p.L332F variant (also known as c.994C>T), located in coding exon 5 of the GFI1 gene, results from a C to T substitution at nucleotide position 994. The leucine at codon 332 is replaced by phenylalanine, an amino acid with highly similar properties. This amino acid position is conserved. In addition, this alteration is predicted to be tolerated by in silico analysis. Based on the available evidence, the clinical significance of this variant remains unclear.

NM_005263.5(GFI1):c.994C>T (p.Leu332Phe)

Gene: GFI1 (growth factor independent 1 transcriptional repressor; minus strand). Cytogenetic location: 1p22.1.
Variant type: single nucleotide variant.
Coding change: c.994C>T on transcript NM_005263.5 (MANE Select); coding-DNA position 994, C replaced by T.
Protein change: p.Leu332Phe; replaces leucine 332 with phenylalanine.
Molecular consequence: missense variant.
Genome position (GRCh38, 1-based): chr1:92,478,684, G>A on the plus strand (C>T on the coding strand, the complement: GFI1 is on the minus strand). VCF-style: chr1-92478684-G-A. GRCh37 (hg19) VCF-style: chr1-92944241-G-A.
Other names: c.994C>T, p.Leu332Phe (NM_001127215.3, NM_001127216.3); short protein forms L332F.
Identifiers: ClinVar variation 4263180 (VCV004263180.1).